The following is an entry in ClinVar:

NM_016616.5(NME8):c.1096G>T (p.Glu366Ter)

Gene: NME8 (NME/NM23 family member 8; plus strand). Cytogenetic location: 7p14.1.
Variant type: single nucleotide variant.
Coding change: c.1096G>T on transcript NM_016616.5 (MANE Select); coding-DNA position 1096, G replaced by T.
Protein change: p.Glu366Ter; replaces glutamic acid 366 with a stop codon.
Molecular consequence: nonsense.
Genome position (GRCh38, 1-based): chr7:37,884,404, G>T. VCF-style: chr7-37884404-G-T. GRCh37 (hg19) VCF-style: chr7-37924006-G-T.
Other names: short protein forms E366*.
Identifiers: ClinVar variation 3689240 (VCV003689240.2).

ClinVar aggregate classification (germline): Conflicting classifications of pathogenicity. Review status: criteria provided, conflicting classifications (1 of 4 stars). 2 submissions from 2 submitters: Likely pathogenic (1); Uncertain significance (1). Last evaluated 2025-09-04.

Conditions:
Primary ciliary dyskinesia 6. Also called: Primary Ciliary Dyskinesia 6: TXNDC3-Related Primary Ciliary Dyskinesia. Identifiers: Orphanet 244, MedGen C1970506, MONDO:0012571, OMIM 610852.

gnomAD v4.1: 12 of 1,610,620 alleles (0.00075%); highest among the groups gnomAD compares: Admixed American, 0.0017%; no homozygotes.

Submissions (2):

First Genomix Gene Laboratory, Genetic Diagnostics Department
Classification: Likely pathogenic for Primary ciliary dyskinesia 6. Last evaluated: 2025-09-04. Review status: criteria provided, single submitter. Criteria: ACMG Guidelines, 2015. Collection method: clinical testing. Allele origin: germline. Inheritance: Autosomal recessive inheritance. Affected: no. Observed: 1 variant allele.

Labcorp Genetics (formerly Invitae), Labcorp
Classification: Uncertain significance for Primary ciliary dyskinesia 6. Last evaluated: 2025-05-18. Review status: criteria provided, single submitter. Criteria: Invitae Variant Classification Sherloc (09022015). Collection method: clinical testing. Allele origin: germline.
Comment: This sequence change creates a premature translational stop signal (p.Glu366*) in the NME8 gene. It is expected to result in an absent or disrupted protein product. However, the current clinical and genetic evidence is not sufficient to establish whether loss-of-function variants in NME8 cause disease. This variant is present in population databases (rs764557467, gnomAD 0.006%). This variant has not been reported in the literature in individuals affected with NME8-related conditions. ClinVar contains an entry for this variant (Variation ID: 3689240). Algorithms developed to predict the effect of sequence changes on RNA splicing suggest that this variant may disrupt the consensus splice site. In summary, the available evidence is currently insufficient to determine the role of this variant in disease. Therefore, it has been classified as a Variant of Uncertain Significance.